The following is an entry in ClinVar:

ClinVar aggregate classification (germline): Conflicting classifications of pathogenicity. Review status: criteria provided, conflicting classifications (1 of 4 stars). 2 submissions from 2 submitters: Uncertain significance (1); Likely benign (1). Last evaluated 2025-09-22.

Conditions:
Inborn genetic diseases. Identifiers: MedGen C0950123, MeSH D030342.

gnomAD v4.1: 17 of 1,610,678 alleles (0.0011%); highest among the groups gnomAD compares: Non-Finnish European, 0.0014%; no homozygotes.

Submissions (2):

Ambry Genetics
Classification: Uncertain significance for Inborn genetic diseases. Last evaluated: 2025-09-22. Review status: criteria provided, single submitter. Criteria: Ambry Variant Classification Scheme 2023. Collection method: clinical testing. Allele origin: germline.
Comment: The c.3686G>C (p.R1229T) alteration is located in exon 51 (coding exon 51) of the COL2A1 gene. This alteration results from a G to C substitution at nucleotide position 3686, causing the arginine (R) at amino acid position 1229 to be replaced by a threonine (T). Based on data from gnomAD, the C allele has an overall frequency of <0.001% (1/248434) total alleles studied. The highest observed frequency was 0.001% (1/113380) of European (non-Finnish) alleles. Based on insufficient or conflicting evidence, the clinical significance of this alteration remains unclear.

Labcorp Genetics (formerly Invitae), Labcorp
Classification: Likely benign. Last evaluated: 2024-11-13. Review status: criteria provided, single submitter. Criteria: Invitae Variant Classification Sherloc (09022015). Collection method: clinical testing. Allele origin: germline.

NM_001844.5(COL2A1):c.3686G>C (p.Arg1229Thr)

Gene: COL2A1 (collagen type II alpha 1 chain; minus strand). Cytogenetic location: 12q13.11.
Variant type: single nucleotide variant.
Coding change: c.3686G>C on transcript NM_001844.5 (MANE Select); coding-DNA position 3686, G replaced by C.
Protein change: p.Arg1229Thr; replaces arginine 1229 with threonine.
Molecular consequence: missense variant.
Genome position (GRCh38, 1-based): chr12:47,975,517, C>G on the plus strand (G>C on the coding strand, the complement: COL2A1 is on the minus strand). VCF-style: chr12-47975517-C-G. GRCh37 (hg19) VCF-style: chr12-48369300-C-G.
Other names: c.3686G>C (NM_001844.4); c.3479G>C, p.Arg1160Thr (NM_033150.3); short protein forms R1160T, R1229T.
Identifiers: ClinVar variation 1938996 (VCV001938996.6), dbSNP rs776705338, ClinGen allele CA236517236.